The following is an entry in ClinVar:

NM_001365951.3(KIF1B):c.3071C>G (p.Ser1024Cys)

Gene: KIF1B (kinesin family member 1B; plus strand). Cytogenetic location: 1p36.22.
Variant type: single nucleotide variant.
Coding change: c.3071C>G on transcript NM_001365951.3 (MANE Select); coding-DNA position 3071, C replaced by G.
Protein change: p.Ser1024Cys; replaces serine 1024 with cysteine.
Molecular consequence: missense variant.
Genome position (GRCh38, 1-based): chr1:10,336,684, C>G. VCF-style: chr1-10336684-C-G. GRCh37 (hg19) VCF-style: chr1-10396742-C-G.
Other names: c.3071C>G, p.Ser1024Cys (NM_001365952.1); c.2933C>G, p.Ser978Cys (NM_015074.3); short protein forms S1024C, S978C.
Identifiers: ClinVar variation 4826087 (VCV004826087.1).

ClinVar aggregate classification (germline): Uncertain significance (1 of 4 stars; one submission).

gnomAD v4.1: 2 of 1,613,992 alleles (0.00012%); highest among the groups gnomAD compares: South Asian, 0.0011%; no homozygotes.

Submission:

Ambry Genetics
Classification: Uncertain significance. Last evaluated: 2026-03-03. Review status: criteria provided, single submitter. Criteria: Ambry Variant Classification Scheme 2023. Collection method: clinical testing. Allele origin: germline.
Comment: The p.S978C variant (also known as c.2933C>G), located in coding exon 26 of the KIF1B gene, results from a C to G substitution at nucleotide position 2933. The serine at codon 978 is replaced by cysteine, an amino acid with dissimilar properties. This amino acid position is highly conserved in available vertebrate species. In addition, this alteration is predicted to be deleterious by in silico analysis. The evidence for this gene-disease relationship is limited; therefore, the clinical significance of this variant is unclear.